The following is an entry in ClinVar:

NM_001354604.2(MITF):c.558G>A (p.Thr186=)

Gene: MITF (melanocyte inducing transcription factor; plus strand). Cytogenetic location: 3p13.
Variant type: single nucleotide variant.
Coding change: c.558G>A on transcript NM_001354604.2 (MANE Select); coding-DNA position 558, G replaced by A.
Protein change: p.Thr186=; no amino-acid change (threonine 186 retained).
Molecular consequence: synonymous variant. On other transcripts: intron variant (1).
Genome position (GRCh38, 1-based): chr3:69,938,025, G>A. VCF-style: chr3-69938025-G-A. GRCh37 (hg19) VCF-style: chr3-69987176-G-A.
Other names: c.237G>A, p.Thr79= (NM_000248.4, NM_001184968.2, NM_198158.3); c.402G>A, p.Thr134= (NM_001184967.2, NM_001354608.2); c.555G>A, p.Thr185= (NM_001354605.2, NM_001354606.2, NM_006722.3); c.507G>A, p.Thr169= (NM_001354607.2); c.558G>A, p.Thr186= (NM_198159.3); c.510G>A, p.Thr170= (NM_198177.3); c.93+144G>A (NM_198178.3).
Identifiers: ClinVar variation 1190933 (VCV001190933.7), dbSNP rs1460798970, ClinGen allele CA434433455.
Genomic context (GRCh38, chr3:69,938,025, plus strand): 5'-TCATGTCATGCCACCGGTGCCGGGGAGCAGCGCACCCAACAGCCCCATGGCTATGCTTAC[G>A]CTTAACTCCAACTGTGAAAAAGAGGTAATTCATGTCTCCTCTCCTCTCCTGTTTTCTTAT-3'
Protein context (NP_001341533.1, residues 176-196): SAPNSPMAML[Thr186=]LNSNCEKEGF

ClinVar aggregate classification (germline): Likely benign. Review status: criteria provided, multiple submitters, no conflicts (2 of 4 stars). 4 submissions from 4 submitters: Likely benign (4). Last evaluated 2026-01-08.

Conditions:
MITF-related disorder. Also called: MITF-related condition.
Hereditary cancer-predisposing syndrome. Also called: Hereditary neoplastic syndrome; Hereditary Cancer Syndrome; Tumor predisposition; Neoplastic Syndromes, Hereditary. Identifiers: Orphanet 140162, MedGen C0027672, MeSH D009386, MONDO:0015356.
Melanoma, cutaneous malignant, susceptibility to, 8. Also called: MELANOMA AND RENAL CELL CARCINOMA, SUSCEPTIBILITY TO; Cutaneous malignant melanoma 8. Identifiers: Orphanet 293822, MedGen C3152204, MONDO:0013759, OMIM 614456.
Waardenburg syndrome type 2A (WS2A). Also called: WAARDENBURG SYNDROME WITHOUT DYSTOPIA CANTHORUM. Identifiers: Orphanet 3440, MedGen C1860339, MONDO:0008671, OMIM 193510.
Tietz syndrome (TADS). Also called: HYPOPIGMENTATION/DEAFNESS OF TIETZ; ALBINISM-DEAFNESS OF TIETZ; TIETZ ALBINISM-DEAFNESS SYNDROME. Identifiers: Orphanet 42665, MedGen C0391816, MONDO:0007077, OMIM 103500.

Allele frequency attached by ClinVar (database versions not stated): gnomAD exomes 0.00002.
gnomAD v4.1: 12 of 1,614,126 alleles (0.00074%); highest among the groups gnomAD compares: East Asian, 0.0045%; no homozygotes.

Submissions (4):

Labcorp Genetics (formerly Invitae), Labcorp
Classification: Likely benign for Melanoma, cutaneous malignant, susceptibility to, 8; Waardenburg syndrome type 2A; Tietz syndrome. Last evaluated: 2026-01-08. Review status: criteria provided, single submitter. Criteria: Invitae Variant Classification Sherloc (09022015). Collection method: clinical testing. Allele origin: germline.

PreventionGenetics, part of Exact Sciences
Classification: Likely benign for MITF-related condition. Last evaluated: 2025-12-30. Review status: criteria provided, single submitter. Criteria: ACMG Guidelines, 2015. Collection method: clinical testing. Allele origin: germline.
Comment: This variant is classified as likely benign based on ACMG/AMP sequence variant interpretation guidelines (Richards et al. 2015 PMID: 25741868, with internal and published modifications).

Ambry Genetics
Classification: Likely benign for Hereditary cancer-predisposing syndrome. Last evaluated: 2024-11-18. Review status: criteria provided, single submitter. Criteria: Ambry Variant Classification Scheme 2023. Collection method: clinical testing. Allele origin: germline.

GeneDx
Classification: Likely benign. Last evaluated: 2020-08-19. Review status: criteria provided, single submitter. Criteria: GeneDx Variant Classification Process June 2021. Collection method: clinical testing. Allele origin: germline. Affected: yes.